The following is an entry in ClinVar:

ClinVar aggregate classification (germline): Uncertain significance. Review status: criteria provided, single submitter (1 of 4 stars). 2 submissions from 2 submitters: Uncertain significance (1). 1 of the submissions does not count toward it. Last evaluated 2025-01-01.

Conditions:
LAMA5-related disorder. Also called: LAMA5-Related Disorders; LAMA5-related condition.

gnomAD v4.1: 25 of 1,612,714 alleles (0.0016%); highest among the groups gnomAD compares: Non-Finnish European, 0.0018%; no homozygotes.

Submissions (2):

CeGaT Center for Human Genetics Tuebingen
Classification: Uncertain significance. Last evaluated: 2025-01-01. Review status: criteria provided, single submitter. Criteria: CeGaT Center For Human Genetics Tuebingen Variant Classification Criteria Version 2. Collection method: clinical testing. Allele origin: germline. Affected: yes. Observed: 1 variant allele.
Comment: LAMA5: PM2, BP4

PreventionGenetics, part of Exact Sciences
Classification: Uncertain significance for LAMA5-related condition. Last evaluated: 2024-03-29. Review status: no assertion criteria provided. Collection method: clinical testing. Allele origin: germline. Not counted in ClinVar's aggregate classification.
Comment: The LAMA5 c.2818A>G variant is predicted to result in the amino acid substitution p.Met940Val. To our knowledge, this variant has not been reported in the literature. This variant is reported in 0.0047% of alleles in individuals of European (Finnish) descent in gnomAD. At this time, the clinical significance of this variant is uncertain due to the absence of conclusive functional and genetic evidence.

NM_005560.6(LAMA5):c.2818A>G (p.Met940Val)

Gene: LAMA5 (laminin subunit alpha 5; minus strand). Cytogenetic location: 20q13.33.
Variant type: single nucleotide variant.
Coding change: c.2818A>G on transcript NM_005560.6 (MANE Select); coding-DNA position 2818, A replaced by G.
Protein change: p.Met940Val; replaces methionine 940 with valine.
Molecular consequence: missense variant.
Genome position (GRCh38, 1-based): chr20:62,333,961, T>C on the plus strand (A>G on the coding strand, the complement: LAMA5 is on the minus strand). VCF-style: chr20-62333961-T-C. GRCh37 (hg19) VCF-style: chr20-60909017-T-C.
Other names: short protein forms M940V.
Identifiers: ClinVar variation 3351120 (VCV003351120.14).
Genomic context (GRCh38, chr20:62,333,961, plus strand): 5'-AGTTGGCGCAGGTGGCCGACCTGCCCTCCTCTCGCACAGAGACCCGCCCGCTCACACTCA[T>C]GGCCCCCCGGTTGACGTATCGGAAGACGAGCCAGAAAAGGTCAGGGGAGGTCAGGTTCAG-3'
Protein context (NP_005551.3, residues 930-950): LVFRYVNRGA[Met940Val]SVSGRVSVRE